The following is an entry in ClinVar:

ClinVar aggregate classification (germline): Likely pathogenic (1 of 4 stars; one submission).

Conditions:
Retinoblastoma (RB1). Also called: RETINOBLASTOMA, SOMATIC. Identifiers: Orphanet 790, MedGen C0035335, MeSH D012175, MONDO:0008380, OMIM 180200, HP:0009919. Disease mechanism: loss of function. Inheritance: Both sporadic and heritable forms are tested..

Submission:

Labcorp Genetics (formerly Invitae), Labcorp
Classification: Likely pathogenic for Retinoblastoma. Last evaluated: 2024-12-18. Review status: criteria provided, single submitter. Criteria: Invitae Variant Classification Sherloc (09022015). Collection method: clinical testing. Allele origin: germline.
Comment: This sequence change replaces arginine, which is basic and polar, with serine, which is neutral and polar, at codon 775 of the RB1 protein (p.Arg775Ser). RNA analysis indicates that this missense change induces altered splicing and likely results in a shortened protein product. This variant is not present in population databases (gnomAD no frequency). This missense change has been observed in individual(s) with bilateral retinoblastoma (internal data). ClinVar contains an entry for this variant (Variation ID: 3000787). An algorithm developed to predict the effect of missense changes on protein structure and function (PolyPhen-2) suggests that this variant is likely to be disruptive. Variants that disrupt the consensus splice site are a relatively common cause of aberrant splicing (PMID: 17576681, 9536098). Studies have shown that this missense change results in skipping of exon 22, but is expected to preserve the integrity of the reading-frame (internal data). In summary, the currently available evidence indicates that the variant is pathogenic, but additional data are needed to prove that conclusively. Therefore, this variant has been classified as Likely Pathogenic.

Literature cited by the submitters: PubMed 17576681; PubMed 9536098.

NM_000321.3(RB1):c.2325G>T (p.Arg775Ser)

Gene: RB1 (RB transcriptional corepressor 1; plus strand). Cytogenetic location: 13q14.2.
Variant type: single nucleotide variant.
Coding change: c.2325G>T on transcript NM_000321.3 (MANE Select); coding-DNA position 2325, G replaced by T.
Protein change: p.Arg775Ser; replaces arginine 775 with serine.
Molecular consequence: missense variant.
Genome position (GRCh38, 1-based): chr13:48,465,111, G>T. VCF-style: chr13-48465111-G-T. GRCh37 (hg19) VCF-style: chr13-49039247-G-T.
Other names: c.2325G>T, p.Arg775Ser (NM_001407165.1); short protein forms R775S.
Identifiers: ClinVar variation 3000787 (VCV003000787.3), dbSNP rs2138345066, ClinGen allele CA388167736.